The following is an entry in ClinVar:

NM_198576.4(AGRN):c.4739G>T (p.Arg1580Leu)

Gene: AGRN (agrin; plus strand). Cytogenetic location: 1p36.33.
Variant type: single nucleotide variant.
Coding change: c.4739G>T on transcript NM_198576.4 (MANE Select); coding-DNA position 4739, G replaced by T.
Protein change: p.Arg1580Leu; replaces arginine 1580 with leucine.
Molecular consequence: missense variant.
Genome position (GRCh38, 1-based): chr1:1,049,790, G>T. VCF-style: chr1-1049790-G-T. GRCh37 (hg19) VCF-style: chr1-985170-G-T.
Other names: c.4739G>T, p.Arg1580Leu (NM_001305275.2); c.4424G>T, p.Arg1475Leu (NM_001364727.2); short protein forms R1475L, R1580L.
Identifiers: ClinVar variation 856404 (VCV000856404.9), dbSNP rs780013869, ClinGen allele CA337779281.

ClinVar aggregate classification (germline): Uncertain significance (1 of 4 stars; one submission).

Conditions:
Congenital myasthenic syndrome 8. Also called: MYASTHENIC SYNDROME, CONGENITAL, DUE TO AGRIN DEFICIENCY; Myasthenic syndrome, congenital, 8, with pre- and postsynaptic defects. Identifiers: Orphanet 590, MedGen C3808739, MONDO:0014052, OMIM 615120.

Submission:

Labcorp Genetics (formerly Invitae), Labcorp
Classification: Uncertain significance for Congenital myasthenic syndrome 8. Last evaluated: 2019-01-29. Review status: criteria provided, single submitter. Criteria: Invitae Variant Classification Sherloc (09022015). Collection method: clinical testing. Allele origin: germline.
Comment: In summary, the available evidence is currently insufficient to determine the role of this variant in disease. Therefore, it has been classified as a Variant of Uncertain Significance. Algorithms developed to predict the effect of missense changes on protein structure and function (SIFT, PolyPhen-2, Align-GVGD) all suggest that this variant is likely to be tolerated, but these predictions have not been confirmed by published functional studies and their clinical significance is uncertain. This variant has not been reported in the literature in individuals with AGRN-related conditions. This variant is not present in population databases (ExAC no frequency). This sequence change replaces arginine with leucine at codon 1580 of the AGRN protein (p.Arg1580Leu). The arginine residue is moderately conserved and there is a moderate physicochemical difference between arginine and leucine.